The following is an entry in ClinVar:

ClinVar aggregate classification (germline): Uncertain significance. Review status: criteria provided, multiple submitters, no conflicts (2 of 4 stars). 4 submissions from 4 submitters: Uncertain significance (4). Last evaluated 2025-03-04.

Conditions:
EFEMP2-related disorder. Also called: EFEMP2-related condition.
Cardiovascular phenotype. Identifiers: MedGen CN230736.
Cutis laxa, autosomal recessive, type 1B (ARCL1B). Also called: CUTIS LAXA, AUTOSOMAL RECESSIVE, TYPE IB; EFEMP2-Related Cutis Laxa. Identifiers: Orphanet 90349, MedGen C3280798, MONDO:0013754, OMIM 614437. Disease mechanism: loss of function.

Allele frequency attached by ClinVar (database versions not stated): gnomAD exomes 0.00001; gnomAD 0.00002; TOPMed 0.00002.

Submissions (4):

Ambry Genetics
Classification: Uncertain significance for Cardiovascular phenotype. Last evaluated: 2025-03-04. Review status: criteria provided, single submitter. Criteria: Ambry Variant Classification Scheme 2023. Collection method: clinical testing. Allele origin: germline.
Comment: The p.H51Y variant (also known as c.151C>T), located in coding exon 2 of the EFEMP2 gene, results from a C to T substitution at nucleotide position 151. The histidine at codon 51 is replaced by tyrosine, an amino acid with similar properties. This amino acid position is conserved. In addition, the in silico prediction for this alteration is inconclusive. Based on the available evidence, the clinical significance of this variant remains unclear.

Labcorp Genetics (formerly Invitae), Labcorp
Classification: Uncertain significance for Cutis laxa, autosomal recessive, type 1B. Last evaluated: 2024-03-13. Review status: criteria provided, single submitter. Criteria: Invitae Variant Classification Sherloc (09022015). Collection method: clinical testing. Allele origin: germline.
Comment: This sequence change replaces histidine, which is basic and polar, with tyrosine, which is neutral and polar, at codon 51 of the EFEMP2 protein (p.His51Tyr). The frequency data for this variant in the population databases is considered unreliable, as metrics indicate poor data quality at this position in the gnomAD database. This variant has not been reported in the literature in individuals affected with EFEMP2-related conditions. ClinVar contains an entry for this variant (Variation ID: 472813). An algorithm developed to predict the effect of missense changes on protein structure and function (PolyPhen-2) suggests that this variant is likely to be disruptive. In summary, the available evidence is currently insufficient to determine the role of this variant in disease. Therefore, it has been classified as a Variant of Uncertain Significance.

PreventionGenetics, part of Exact Sciences
Classification: Uncertain significance for EFEMP2-related condition. Last evaluated: 2023-04-24. Review status: criteria provided, single submitter. Criteria: ACMG Guidelines, 2015. Collection method: clinical testing. Allele origin: germline.
Comment: The EFEMP2 c.151C>T variant is predicted to result in the amino acid substitution p.His51Tyr. To our knowledge, this variant has not been reported in the literature. This variant is reported in 0.0039% of alleles in individuals of Latino descent in gnomAD. At this time, the clinical significance of this variant is uncertain due to the absence of conclusive functional and genetic evidence.

Fulgent Genetics
Classification: Uncertain significance for Cutis laxa, autosomal recessive, type 1B. Last evaluated: 2022-05-09. Review status: criteria provided, single submitter. Criteria: ACMG Guidelines, 2015. Collection method: clinical testing. Allele origin: unknown.

NM_016938.5(EFEMP2):c.151C>T (p.His51Tyr)

Gene: EFEMP2 (EGF-like fibulin extracellular matrix protein 2; minus strand). Cytogenetic location: 11q13.1.
Variant type: single nucleotide variant.
Coding change: c.151C>T on transcript NM_016938.5 (MANE Select); coding-DNA position 151, C replaced by T.
Protein change: p.His51Tyr; replaces histidine 51 with tyrosine.
Molecular consequence: missense variant. On other transcripts: non-coding transcript variant (1).
Genome position (GRCh38, 1-based): chr11:65,871,979, G>A on the plus strand (C>T on the coding strand, the complement: EFEMP2 is on the minus strand). VCF-style: chr11-65871979-G-A. GRCh37 (hg19) VCF-style: chr11-65639450-G-A.
Other names: short protein forms H51Y.
Identifiers: ClinVar variation 472813 (VCV000472813.13), dbSNP rs1307880504, ClinGen allele CA381310820.